The following is an entry in ClinVar:

NM_000321.3(RB1):c.1579G>T (p.Asp527Tyr)

Gene: RB1 (RB transcriptional corepressor 1; plus strand). Cytogenetic location: 13q14.2.
Variant type: single nucleotide variant.
Coding change: c.1579G>T on transcript NM_000321.3 (MANE Select); coding-DNA position 1579, G replaced by T.
Protein change: p.Asp527Tyr; replaces aspartic acid 527 with tyrosine.
Molecular consequence: missense variant.
Genome position (GRCh38, 1-based): chr13:48,381,327, G>T. VCF-style: chr13-48381327-G-T. GRCh37 (hg19) VCF-style: chr13-48955463-G-T.
Other names: c.1579G>T, p.Asp527Tyr (NM_001407165.1, NM_001407166.1); short protein forms D527Y.
Identifiers: ClinVar variation 4151183 (VCV004151183.1).
Genomic context (GRCh38, chr13:48,381,327, plus strand): 5'-GATTCTGGAACAGATTTGTCTTTCCCATGGATTCTGAATGTGCTTAATTTAAAAGCCTTT[G>T]ATTTTTACAAAGTGATCGAAAGTTTTATCAAAGCAGAAGGCAACTTGACAAGAGAAATGA-3'
Protein context (NP_000312.2, residues 517-537): ILNVLNLKAF[Asp527Tyr]FYKVIESFIK

ClinVar aggregate classification (germline): Uncertain significance (1 of 4 stars; one submission).

Conditions:
Hereditary cancer-predisposing syndrome. Also called: Hereditary neoplastic syndrome; Neoplastic Syndromes, Hereditary; Tumor predisposition; Hereditary Cancer Syndrome. Identifiers: Orphanet 140162, MedGen C0027672, MeSH D009386, MONDO:0015356.

Submission:

Ambry Genetics
Classification: Uncertain significance for Hereditary cancer-predisposing syndrome. Last evaluated: 2025-06-27. Review status: criteria provided, single submitter. Criteria: Ambry Variant Classification Scheme 2023. Collection method: clinical testing. Allele origin: germline.
Comment: The p.D527Y variant (also known as c.1579G>T), located in coding exon 17 of the RB1 gene, results from a G to T substitution at nucleotide position 1579. The aspartic acid at codon 527 is replaced by tyrosine, an amino acid with highly dissimilar properties. This amino acid position is conserved. In addition, this alteration is predicted to be deleterious by in silico analysis. Based on the available evidence, the clinical significance of this variant remains unclear.